The following is an entry in ClinVar:

NM_000782.5(CYP24A1):c.7dup (p.Ser3fs)

Gene: CYP24A1 (cytochrome P450 family 24 subfamily A member 1; minus strand). Cytogenetic location: 20q13.2.
Variant type: Duplication.
Coding change: c.7dup on transcript NM_000782.5 (MANE Select); coding-DNA position 7, one base duplicated (T; older notation c.7dupT).
Protein change: p.Ser3fs; shifts the reading frame from serine 3.
Molecular consequence: frameshift variant.
Genome position (GRCh38, 1-based): chr20:54,173,573, A duplicated on the plus strand (T on the coding strand, the reverse complement: CYP24A1 is on the minus strand). VCF-style (leftmost placement, unchanged base first): chr20-54173572-G-GA. GRCh37 (hg19) VCF-style: chr20-52790111-G-GA.
Other names: c.7dup, p.Ser3fs (NM_001128915.2, NM_001424340.1, NM_001424341.1 and 2 more transcripts); short protein forms S3fs.
Identifiers: ClinVar variation 3236232 (VCV003236232.1), dbSNP rs2516405173, ClinGen allele CA2653392278.

ClinVar aggregate classification (germline): Likely pathogenic (1 of 4 stars; one submission).

Conditions:
Hypercalcemia, infantile, 1 (HCINF1). Identifiers: Orphanet 300547, MedGen CN031131, MONDO:0020739, OMIM 143880.

Submission:

MVZ Medizinische Genetik Mainz
Classification: Likely pathogenic for Hypercalcemia, infantile, 1. Last evaluated: 2023-10-31. Review status: criteria provided, single submitter. Criteria: UK Practice Guidelines For Variant Classification V4 01 2020. Collection method: clinical testing. Allele origin: germline. Inheritance: Autosomal recessive inheritance. Affected: yes. Observed: 1 variant allele.
Comment: ACMG Criteria: PVS1_STR,PM2_SUP,PM3_SUP,PP4